The following is an entry in ClinVar:

NM_001206927.2(DNAH8):c.438T>A (p.Pro146=)

Genes: DNAH8 (dynein axonemal heavy chain 8; plus strand), LOC126859667 (BRD4-independent group 4 enhancer GRCh37_chr6:38690326-38691525; plus strand). Cytogenetic location: 6p21.2.
Variant type: single nucleotide variant.
Coding change: c.438T>A on transcript NM_001206927.2 (MANE Select); coding-DNA position 438, T replaced by A.
Protein change: p.Pro146=; no amino-acid change (proline 146 retained).
Molecular consequence: synonymous variant. On other transcripts: 5 prime UTR variant (1).
Genome position (GRCh38, 1-based): chr6:38,723,384, T>A. VCF-style: chr6-38723384-T-A. GRCh37 (hg19) VCF-style: chr6-38691160-T-A.
Other names: c.-129T>A (NM_001371.4).
Identifiers: ClinVar variation 4998480 (VCV004998480.1).

ClinVar aggregate classification (germline): Likely benign (1 of 4 stars; one submission).

Conditions:
DNAH8-related disorder. Also called: DNAH8-related condition.

Submission:

PreventionGenetics, part of Exact Sciences
Classification: Likely benign for DNAH8-related condition. Last evaluated: 2024-11-01. Review status: criteria provided, single submitter. Criteria: ACMG Guidelines, 2015. Collection method: clinical testing. Allele origin: germline.
Comment: This variant is classified as likely benign based on ACMG/AMP sequence variant interpretation guidelines (Richards et al. 2015 PMID: 25741868, with internal and published modifications).